The following is an entry in ClinVar:

NM_001292034.3(TAB2):c.1764+8_1764+9insAT

Gene: TAB2 (TGF-beta activated kinase 1 (MAP3K7) binding protein 2; plus strand). Cytogenetic location: 6q25.1.
Variant type: Insertion.
Coding change: c.1764+8_1764+9insAT on transcript NM_001292034.3 (MANE Select); bases 8 to 9 of the intron after coding-DNA position 1764, AT inserted.
Molecular consequence: intron variant.
Genome position: GRCh38 VCF-style: chr6-149397771-C-CTA. GRCh37 (hg19) VCF-style: chr6-149718907-C-CTA.
Other names: c.1668+8_1668+9insAT (NM_001292035.3); c.1764+8_1764+9insAT (NM_001369506.1, NM_015093.6).
Identifiers: ClinVar variation 3030594 (VCV003030594.2), dbSNP rs1231492105, ClinGen allele CA820607728.
Genomic context (GRCh38, chr6:149,397,771, plus strand): 5'-AATCTAACTCGAAGGCGCCTGAAAAGATCAAATTCTATATCCCAGATACCTTCCGTAAGT[C>CTA]TTTATGTAACTGTTGTGATCTCTGCTTGAACATGAGAGTAGGCCATCTAACATAAGTGTA-3'

ClinVar aggregate classification (germline): Likely benign (0 of 4 stars; one submission).

Conditions:
TAB2-related disorder.

Submission:

PreventionGenetics, part of Exact Sciences
Classification: Likely benign for TAB2-related condition. Last evaluated: 2021-04-21. Review status: no assertion criteria provided. Collection method: clinical testing. Allele origin: germline.
Comment: This variant is classified as likely benign based on ACMG/AMP sequence variant interpretation guidelines (Richards et al. 2015 PMID: 25741868, with internal and published modifications).